The following is an entry in ClinVar:

ClinVar aggregate classification (germline): Uncertain significance. Review status: criteria provided, single submitter (1 of 4 stars). 2 submissions from 2 submitters: Uncertain significance (1). 1 of the submissions does not count toward it. Last evaluated 2023-05-09.

Conditions:
CFAP52-related disorder. Also called: CFAP52-related condition.

Allele frequency attached by ClinVar (database versions not stated): ExAC 0.00002; gnomAD 0.00003; ESP Exome Variant Server 0.00008.
gnomAD v4.1: 34 of 1,613,698 alleles (0.0021%); highest among the groups gnomAD compares: Admixed American, 0.0083%; no homozygotes.

Submissions (2):

GeneDx
Classification: Uncertain significance. Last evaluated: 2023-05-09. Review status: criteria provided, single submitter. Criteria: GeneDx Variant Classification Process June 2021. Collection method: clinical testing. Allele origin: germline. Affected: yes.
Comment: In silico analysis supports a deleterious effect on splicing; Has not been previously published as pathogenic or benign to our knowledge

PreventionGenetics, part of Exact Sciences
Classification: Uncertain significance for CFAP52-related condition. Last evaluated: 2024-02-09. Review status: no assertion criteria provided. Collection method: clinical testing. Allele origin: germline. Not counted in ClinVar's aggregate classification.
Comment: The CFAP52 c.235A>T variant is predicted to result in the amino acid substitution p.Ile79Phe. To our knowledge, this variant has not been reported in the literature. This variant is reported in 0.030% of alleles in individuals of Ashkenazi Jewish descent in gnomAD. Although we suspect that this variant may be pathogenic, at this time, the clinical significance of this variant is uncertain due to the absence of conclusive functional and genetic evidence.

NM_145054.5(CFAP52):c.235A>T (p.Ile79Phe)

Gene: CFAP52 (cilia and flagella associated protein 52; plus strand). Cytogenetic location: 17p13.1.
Variant type: single nucleotide variant.
Coding change: c.235A>T on transcript NM_145054.5 (MANE Select); coding-DNA position 235, A replaced by T.
Protein change: p.Ile79Phe; replaces isoleucine 79 with phenylalanine.
Molecular consequence: missense variant. On other transcripts: intron variant (1).
Genome position (GRCh38, 1-based): chr17:9,585,937, A>T. VCF-style: chr17-9585937-A-T. GRCh37 (hg19) VCF-style: chr17-9489254-A-T.
Other names: c.235A>T, p.Ile79Phe (NM_001037306.1); c.71-765A>T (NM_001080556.2); c.235A>T (NM_145054.4); short protein forms I79F.
Identifiers: ClinVar variation 2662354 (VCV002662354.3), dbSNP rs376170198, ClinGen allele CA8381794.